The following is an entry in ClinVar:

ClinVar aggregate classification (germline): Uncertain significance (1 of 4 stars; one submission).

Conditions:
Ullrich congenital muscular dystrophy 2 (UCMD2). Identifiers: Orphanet 75840, MedGen C4225314, MONDO:0014654, OMIM 616470.
Bethlem myopathy 2 (BTHLM2). Identifiers: Orphanet 536516, Orphanet 610, MedGen C4225313, MONDO:0034022, OMIM 616471.

gnomAD v4.1: 5 of 1,613,778 alleles (0.00031%); highest among the groups gnomAD compares: Middle Eastern, 0.017%; no homozygotes.

Submission:

Labcorp Genetics (formerly Invitae), Labcorp
Classification: Uncertain significance for Bethlem myopathy 2; Ullrich congenital muscular dystrophy 2. Last evaluated: 2024-05-06. Review status: criteria provided, single submitter. Criteria: Invitae Variant Classification Sherloc (09022015). Collection method: clinical testing. Allele origin: germline.
Comment: This sequence change replaces glutamic acid, which is acidic and polar, with lysine, which is basic and polar, at codon 1326 of the COL12A1 protein (p.Glu1326Lys). This variant is present in population databases (rs774412897, gnomAD 0.0009%). This variant has not been reported in the literature in individuals affected with COL12A1-related conditions. Advanced modeling of protein sequence and biophysical properties (such as structural, functional, and spatial information, amino acid conservation, physicochemical variation, residue mobility, and thermodynamic stability) performed at Invitae indicates that this missense variant is not expected to disrupt COL12A1 protein function with a negative predictive value of 80%. In summary, the available evidence is currently insufficient to determine the role of this variant in disease. Therefore, it has been classified as a Variant of Uncertain Significance.

NM_004370.6(COL12A1):c.3976G>A (p.Glu1326Lys)

Gene: COL12A1 (collagen type XII alpha 1 chain; minus strand). Cytogenetic location: 6q13.
Variant type: single nucleotide variant.
Coding change: c.3976G>A on transcript NM_004370.6 (MANE Select); coding-DNA position 3976, G replaced by A.
Protein change: p.Glu1326Lys; replaces glutamic acid 1326 with lysine.
Molecular consequence: missense variant.
Genome position (GRCh38, 1-based): chr6:75,151,891, C>T on the plus strand (G>A on the coding strand, the complement: COL12A1 is on the minus strand). VCF-style: chr6-75151891-C-T. GRCh37 (hg19) VCF-style: chr6-75861607-C-T.
Other names: c.484G>A, p.Glu162Lys (NM_001424116.1, NM_080645.3); c.3976G>A, p.Glu1326Lys (NM_001424113.1, NM_001424114.1); c.3703G>A, p.Glu1235Lys (NM_001424115.1); short protein forms E1235K, E1326K, E162K.
Identifiers: ClinVar variation 3761090 (VCV003761090.2).